The following is an entry in ClinVar:

ClinVar aggregate classification (germline): Uncertain significance (1 of 4 stars; one submission).

Allele frequency attached by ClinVar (database versions not stated): ExAC 0.00001; ESP Exome Variant Server 0.00008.

Submission:

Labcorp Genetics (formerly Invitae), Labcorp
Classification: Uncertain significance. Last evaluated: 2022-09-19. Review status: criteria provided, single submitter. Criteria: Invitae Variant Classification Sherloc (09022015). Collection method: clinical testing. Allele origin: germline.
Comment: In summary, the available evidence is currently insufficient to determine the role of this variant in disease. Therefore, it has been classified as a Variant of Uncertain Significance. Advanced modeling of protein sequence and biophysical properties (such as structural, functional, and spatial information, amino acid conservation, physicochemical variation, residue mobility, and thermodynamic stability) performed at Invitae indicates that this missense variant is not expected to disrupt GABRB1 protein function. This variant has not been reported in the literature in individuals affected with GABRB1-related conditions. This variant is present in population databases (rs142758601, gnomAD 0.002%). This sequence change replaces lysine, which is basic and polar, with arginine, which is basic and polar, at codon 334 of the GABRB1 protein (p.Lys334Arg).

NM_000812.4(GABRB1):c.1001A>G (p.Lys334Arg)

Gene: GABRB1 (gamma-aminobutyric acid type A receptor subunit beta1; plus strand). Cytogenetic location: 4p12.
Variant type: single nucleotide variant.
Coding change: c.1001A>G on transcript NM_000812.4 (MANE Select); coding-DNA position 1001, A replaced by G.
Protein change: p.Lys334Arg; replaces lysine 334 with arginine.
Molecular consequence: missense variant.
Genome position (GRCh38, 1-based): chr4:47,406,847, A>G. VCF-style: chr4-47406847-A-G. GRCh37 (hg19) VCF-style: chr4-47408864-A-G.
Other names: short protein forms K334R.
Identifiers: ClinVar variation 1946243 (VCV001946243.5), dbSNP rs142758601, ClinGen allele CA2907720.